The following is an entry in ClinVar:

NM_000548.5(TSC2):c.2921C>A (p.Ala974Asp)

Gene: TSC2 (TSC complex subunit 2; plus strand). Cytogenetic location: 16p13.3.
Variant type: single nucleotide variant.
Coding change: c.2921C>A on transcript NM_000548.5 (MANE Select); coding-DNA position 2921, C replaced by A.
Protein change: p.Ala974Asp; replaces alanine 974 with aspartic acid.
Molecular consequence: missense variant. On other transcripts: intron variant (31).
Genome position (GRCh38, 1-based): chr16:2,077,681, C>A. VCF-style: chr16-2077681-C-A. GRCh37 (hg19) VCF-style: chr16-2127682-C-A.
Other names: c.2921C>A, p.Ala974Asp (NM_001114382.3, NM_001406663.1, NM_001406664.1); c.2810C>A, p.Ala937Asp (NM_001406670.1); c.2774C>A, p.Ala925Asp (NM_001406675.1, NM_001406676.1); c.2321C>A, p.Ala774Asp (NM_001406680.1, NM_001406682.1, NM_001406683.1 and 1 more transcripts); c.1577C>A, p.Ala526Asp (NM_001406689.1); c.1493+1096C>A (NM_001406693.1, NM_001406690.1, NM_001406692.1 and 5 more transcripts); c.2927+1096C>A (NM_001406667.1, NM_001406668.1); c.2237+1096C>A (NM_001406687.1, NM_001406685.1, NM_001318831.2 and 2 more transcripts); and 8 more; short protein forms A774D, A526D, A937D, A925D, A974D.
Identifiers: ClinVar variation 2626421 (VCV002626421.2), dbSNP rs1289330733, ClinGen allele CA394281322.

ClinVar aggregate classification (germline): Uncertain significance (1 of 4 stars; one submission).

Conditions:
Hereditary cancer-predisposing syndrome. Also called: Tumor predisposition; Hereditary Cancer Syndrome; Hereditary neoplastic syndrome; Neoplastic Syndromes, Hereditary. Identifiers: Orphanet 140162, MedGen C0027672, MeSH D009386, MONDO:0015356.

Allele frequency attached by ClinVar (database versions not stated): gnomAD 0.00001.
gnomAD v4.1: 1 of 1,612,970 alleles (0.000062%); highest among the groups gnomAD compares: East Asian, 0.0022%; no homozygotes.

Submission:

Ambry Genetics
Classification: Uncertain significance for Hereditary cancer-predisposing syndrome. Last evaluated: 2023-07-12. Review status: criteria provided, single submitter. Criteria: Ambry Variant Classification Scheme 2023. Collection method: clinical testing. Allele origin: germline.
Comment: The p.A974D variant (also known as c.2921C>A), located in coding exon 25 of the TSC2 gene, results from a C to A substitution at nucleotide position 2921. The alanine at codon 974 is replaced by aspartic acid, an amino acid with dissimilar properties. This amino acid position is conserved. In addition, this alteration is predicted to be deleterious by in silico analysis. Since supporting evidence is limited at this time, the clinical significance of this alteration remains unclear.